The following is an entry in ClinVar:

NM_013382.7(POMT2):c.1654-5T>G

Gene: POMT2 (protein O-mannosyltransferase 2; minus strand). Cytogenetic location: 14q24.3.
Variant type: single nucleotide variant.
Coding change: c.1654-5T>G on transcript NM_013382.7 (MANE Select); 5 bases into the intron before coding-DNA position 1654, T replaced by G.
Molecular consequence: intron variant.
Genome position (GRCh38, 1-based): chr14:77,280,468, A>C on the plus strand (T>G on the coding strand, the complement: POMT2 is on the minus strand). VCF-style: chr14-77280468-A-C. GRCh37 (hg19) VCF-style: chr14-77746811-A-C.
Identifiers: ClinVar variation 2137609 (VCV002137609.4), dbSNP rs1594885955, ClinGen allele CA2580088818.

ClinVar aggregate classification (germline): Uncertain significance (1 of 4 stars; one submission).

Conditions:
Muscular dystrophy-dystroglycanopathy (congenital with brain and eye anomalies), type A2. Also called: MUSCULAR DYSTROPHY-DYSTROGLYCANOPATHY (CONGENITAL WITH BRAIN AND EYE ANOMALIES), TYPE A, 2; WALKER-WARBURG SYNDROME OR MUSCLE-EYE-BRAIN DISEASE, POMT2-RELATED. Identifiers: Orphanet 588, Orphanet 899, MedGen C3150411, MONDO:0013154, OMIM 613150.
Autosomal recessive limb-girdle muscular dystrophy type 2N. Also called: MUSCULAR DYSTROPHY-DYSTROGLYCANOPATHY, LIMB-GIRDLE, POMT2-RELATED; Muscular dystrophy-dystroglycanopathy (limb-girdle), type C, 2. Identifiers: Orphanet 206559, MedGen C3150418, MONDO:0013162, OMIM 613158.
Muscular dystrophy-dystroglycanopathy (congenital with impaired intellectual development), type B, 2. Also called: Muscular dystrophy-dystroglycanopathy (congenital with intellectual disability), type B2; MUSCULAR DYSTROPHY, CONGENITAL, POMT2-RELATED. Identifiers: MedGen C3150416, MONDO:0013160, OMIM 613156.

Submission:

Labcorp Genetics (formerly Invitae), Labcorp
Classification: Uncertain significance for Muscular dystrophy-dystroglycanopathy (congenital with impaired intellectual development), type B, 2; Muscular dystrophy-dystroglycanopathy (congenital with brain and eye anomalies), type A2; Autosomal recessive limb-girdle muscular dystrophy type 2N. Last evaluated: 2022-07-06. Review status: criteria provided, single submitter. Criteria: Invitae Variant Classification Sherloc (09022015). Collection method: clinical testing. Allele origin: germline.
Comment: In summary, the available evidence is currently insufficient to determine the role of this variant in disease. Therefore, it has been classified as a Variant of Uncertain Significance. This variant has been observed in individual(s) with limb girdle muscular dystrophy (PMID: 29175898, 32528171). Algorithms developed to predict the effect of sequence changes on RNA splicing suggest that this variant may disrupt the consensus splice site. This variant is not present in population databases (gnomAD no frequency). This sequence change falls in intron 15 of the POMT2 gene. It does not directly change the encoded amino acid sequence of the POMT2 protein.

Literature cited by the submitters: PubMed 29175898; PubMed 32528171.